The following is an entry in ClinVar:

ClinVar aggregate classification (germline): Uncertain significance. Review status: criteria provided, multiple submitters, no conflicts (2 of 4 stars). 4 submissions from 4 submitters: Uncertain significance (3). 1 of the submissions does not count toward it. Last evaluated 2024-10-07.

Conditions:
Fanconi anemia (FA). Also called: Fanconi's anemia. Identifiers: Orphanet 84, MedGen C0015625, MeSH D005199, MONDO:0019391.
Hereditary cancer-predisposing syndrome. Also called: Neoplastic Syndromes, Hereditary; Hereditary Cancer Syndrome; Tumor predisposition; Hereditary neoplastic syndrome. Identifiers: Orphanet 140162, MedGen C0027672, MeSH D009386, MONDO:0015356.

Allele frequency attached by ClinVar (database versions not stated): gnomAD exomes below 0.00001; TOPMed below 0.00001.
gnomAD v4.1: 1 of 1,614,154 alleles (0.000062%); highest among the groups gnomAD compares: Non-Finnish European, 0.000085%; no homozygotes.

Submissions (4):

Ambry Genetics
Classification: Uncertain significance for Hereditary cancer-predisposing syndrome. Last evaluated: 2024-10-07. Review status: criteria provided, single submitter. Criteria: Ambry Variant Classification Scheme 2023. Collection method: clinical testing. Allele origin: germline.
Comment: The p.H37P variant (also known as c.110A>C), located in coding exon 1 of the FANCC gene, results from an A to C substitution at nucleotide position 110. The histidine at codon 37 is replaced by proline, an amino acid with similar properties. This amino acid position is highly conserved in available vertebrate species. In addition, the in silico prediction for this alteration is inconclusive. Based on the available evidence, the clinical significance of this variant remains unclear.

GeneDx
Classification: Uncertain significance. Last evaluated: 2022-06-09. Review status: criteria provided, single submitter. Criteria: GeneDx Variant Classification Process June 2021. Collection method: clinical testing. Allele origin: germline. Affected: yes.
Comment: Not observed at significant frequency in large population cohorts (gnomAD); In silico analysis supports that this missense variant has a deleterious effect on protein structure/function; Has not been previously published as pathogenic or benign to our knowledge; This variant is associated with the following publications: (PMID: 28492532)

Labcorp Genetics (formerly Invitae), Labcorp
Classification: Uncertain significance for Fanconi anemia. Last evaluated: 2021-08-28. Review status: criteria provided, single submitter. Criteria: Invitae Variant Classification Sherloc (09022015). Collection method: clinical testing. Allele origin: germline.
Comment: This sequence change replaces histidine with proline at codon 37 of the FANCC protein (p.His37Pro). The histidine residue is highly conserved and there is a moderate physicochemical difference between histidine and proline. This variant is not present in population databases (ExAC no frequency). This variant has not been reported in the literature in individuals affected with FANCC-related conditions. Algorithms developed to predict the effect of missense changes on protein structure and function (SIFT, PolyPhen-2, Align-GVGD) all suggest that this variant is likely to be disruptive. In summary, the available evidence is currently insufficient to determine the role of this variant in disease. Therefore, it has been classified as a Variant of Uncertain Significance.

Natera, Inc.
Classification: Uncertain significance for Fanconi anemia. Last evaluated: 2021-03-29. Review status: no assertion criteria provided. Collection method: clinical testing. Allele origin: germline. Not counted in ClinVar's aggregate classification.

NM_000136.3(FANCC):c.110A>C (p.His37Pro)

Gene: FANCC (FA complementation group C; minus strand). Cytogenetic location: 9q22.32.
Variant type: single nucleotide variant.
Coding change: c.110A>C on transcript NM_000136.3 (MANE Select); coding-DNA position 110, A replaced by C.
Protein change: p.His37Pro; replaces histidine 37 with proline.
Molecular consequence: missense variant.
Genome position (GRCh38, 1-based): chr9:95,249,182, T>G on the plus strand (A>C on the coding strand, the complement: FANCC is on the minus strand). VCF-style: chr9-95249182-T-G. GRCh37 (hg19) VCF-style: chr9-98011464-T-G.
Other names: c.110A>C, p.His37Pro (NM_001243743.2, NM_001243744.2); short protein forms H37P.
Identifiers: ClinVar variation 583200 (VCV000583200.16), dbSNP rs1564794663, ClinGen allele CA374340313.